The following is an entry in ClinVar:

ClinVar aggregate classification (germline): Likely pathogenic. Review status: reviewed by expert panel (3 of 4 stars). 2 submissions from 2 submitters: Likely pathogenic (1). 1 of the submissions does not count toward it. Last evaluated 2025-09-19.

Conditions:
Juvenile retinoschisis (RS1). Also called: X-linked retinoschisis; X-Linked Juvenile Retinoschisis. Identifiers: Orphanet 792, MedGen C3714753, MONDO:0010725, OMIM 312700.

Submissions (2):

ClinGen X-linked Inherited Retinal Disease Variant Curation Expert Panel, ClinGen
Classification: Likely pathogenic for Juvenile retinoschisis. Last evaluated: 2025-09-19. Review status: reviewed by expert panel. Criteria: ClinGen X LinkedIRD ACMG Specifications RS1 V1.0.0. Collection method: curation. Allele origin: germline. Inheritance: X-linked inheritance.
Comment: NM_000330.4(RS1):c.667T>G (p.Cys223Gly) is a missense variant encoding the substitution of cysteine with glycine at amino acid 223. Another missense variant in the same codon, NM_000330.4(RS1):c.668G>C (p.Cys223Ser), (PMID: 12746437) has been classified as likely pathogenic for X-linked retinoschisis by the ClinGen X-linked IRD VCEP, while no benign missense variants have been identified in this codon. The present variant has a higher Grantham’s distance (159) than the comparison variant (112), and SpliceAI has been used to confirm that neither variant has a predicted impact on RS1 splicing (PM5_Supporting). This variant is absent from hemizygous individuals in gnomAD v4.1.0 (PM2_Supporting). The computational predictor REVEL gives a score of 0.951, which is above the ClinGen X-linked IRD VCEP threshold of >0.932 and predicts a damaging effect on RS1 function (PP3_Strong). The computational splicing predictor SpliceAI gives a delta score of 0.00, which is below the ClinGen X-linked IRD VCEP threshold of ≥0.2 and does not predict that the variant disrupts RS1 splicing. This variant is a missense substitution affecting a critical amino acid residue involved in disulfide bridge formation as defined by the ClinGen X-linked IRD VCEP (PMID: 26812435). However, the PP3_Strong code has been met, which is ineligible to be used in combination with the PM1 code at any strength, so the PM1 code was not met. In summary, this variant is classified as likely pathogenic for X-linked retinoschisis based on the ClinGen X-linked Inherited Retinal Disease Expert Panel Specifications to the ACMG/AMP Variant Interpretation Guidelines for RS1 Version 1.0.0: PM2_Supporting, PP3_ Strong, and PM5_Supporting.

Labcorp Genetics (formerly Invitae), Labcorp
Classification: Likely pathogenic. Last evaluated: 2021-08-07. Review status: criteria provided, single submitter. Criteria: Invitae Variant Classification Sherloc (09022015). Collection method: clinical testing. Allele origin: germline. Not counted in ClinVar's aggregate classification.
Comment: This variant disrupts the p.Cys223 amino acid residue in RS1. Other variant(s) that disrupt this residue have been determined to be pathogenic (PMID: 10533068, 16361673, 30652005; Invitae). This suggests that this residue is clinically significant, and that variants that disrupt this residue are likely to be disease-causing. In summary, the currently available evidence indicates that the variant is pathogenic, but additional data are needed to prove that conclusively. Therefore, this variant has been classified as Likely Pathogenic. Advanced modeling of protein sequence and biophysical properties (such as structural, functional, and spatial information, amino acid conservation, physicochemical variation, residue mobility, and thermodynamic stability) performed at Invitae indicates that this missense variant is expected to disrupt RS1 protein function. This variant has not been reported in the literature in individuals affected with RS1-related conditions. This variant is not present in population databases (ExAC no frequency). This sequence change replaces cysteine with glycine at codon 223 of the RS1 protein (p.Cys223Gly). The cysteine residue is highly conserved and there is a large physicochemical difference between cysteine and glycine.

Literature cited by the submitters: PubMed 10533068 (cited by Labcorp Genetics (formerly Invitae), Labcorp); PubMed 16361673 (cited by Labcorp Genetics (formerly Invitae), Labcorp); PubMed 30652005 (cited by Labcorp Genetics (formerly Invitae), Labcorp).

NM_000330.4(RS1):c.667T>G (p.Cys223Gly)

Genes: CDKL5 (cyclin dependent kinase like 5; plus strand), RS1 (retinoschisin 1; minus strand). Cytogenetic location: Xp22.13.
Variant type: single nucleotide variant.
Coding change: c.667T>G on transcript NM_000330.4 (MANE Select); coding-DNA position 667, T replaced by G.
Protein change: p.Cys223Gly; replaces cysteine 223 with glycine.
Molecular consequence: missense variant. On other transcripts: intron variant (2).
Genome position (GRCh38, 1-based): chrX:18,642,012, A>C on the plus strand (T>G on the coding strand, the complement: RS1 is on the minus strand). VCF-style: chrX-18642012-A-C. GRCh37 (hg19) VCF-style: chrX-18660132-A-C.
Other names: NM_000330.4(RS1):c.667T>G; p.Cys223Gly; c.2714-3995A>C (NM_003159.3, NM_001037343.2); short protein forms C223G.
Identifiers: ClinVar variation 1511265 (VCV001511265.8), dbSNP rs104894929, ClinGen allele CA412370013.